The following is an entry in ClinVar:

NM_033026.6(PCLO):c.11813C>G (p.Pro3938Arg)

Gene: PCLO (piccolo presynaptic cytomatrix protein; minus strand). Cytogenetic location: 7q21.11.
Variant type: single nucleotide variant.
Coding change: c.11813C>G on transcript NM_033026.6 (MANE Select); coding-DNA position 11813, C replaced by G.
Protein change: p.Pro3938Arg; replaces proline 3938 with arginine.
Molecular consequence: missense variant.
Genome position (GRCh38, 1-based): chr7:82,916,173, G>C on the plus strand (C>G on the coding strand, the complement: PCLO is on the minus strand). VCF-style: chr7-82916173-G-C. GRCh37 (hg19) VCF-style: chr7-82545489-G-C.
Other names: c.11813C>G, p.Pro3938Arg (NM_014510.3); short protein forms P3938R.
Identifiers: ClinVar variation 1948199 (VCV001948199.3), dbSNP rs774804182, ClinGen allele CA4319500.

ClinVar aggregate classification (germline): Uncertain significance (1 of 4 stars; one submission).

Allele frequency attached by ClinVar (database versions not stated): gnomAD exomes 0.00001; ExAC 0.00002.
gnomAD v4.1: 3 of 1,613,592 alleles (0.00019%); highest among the groups gnomAD compares: East Asian, 0.0067%; no homozygotes.

Submission:

Labcorp Genetics (formerly Invitae), Labcorp
Classification: Uncertain significance. Last evaluated: 2026-01-26. Review status: criteria provided, single submitter. Criteria: Invitae Variant Classification Sherloc (09022015). Collection method: clinical testing. Allele origin: germline.
Comment: This sequence change replaces proline, which is neutral and non-polar, with arginine, which is basic and polar, at codon 3938 of the PCLO protein (p.Pro3938Arg). This variant is present in population databases (rs774804182, gnomAD 0.02%). This variant has not been reported in the literature in individuals affected with PCLO-related conditions. ClinVar contains an entry for this variant (Variation ID: 1948199). Experimental studies and prediction algorithms are not available or were not evaluated, and the functional significance of this variant is currently unknown. In summary, the available evidence is currently insufficient to determine the role of this variant in disease. Therefore, it has been classified as a Variant of Uncertain Significance.